The following is an entry in ClinVar:

NM_022124.6(CDH23):c.5752C>T (p.Arg1918Trp)

Gene: CDH23 (cadherin related 23; plus strand). Cytogenetic location: 10q22.1.
Variant type: single nucleotide variant.
Coding change: c.5752C>T on transcript NM_022124.6 (MANE Select); coding-DNA position 5752, C replaced by T.
Protein change: p.Arg1918Trp; replaces arginine 1918 with tryptophan.
Molecular consequence: missense variant.
Genome position (GRCh38, 1-based): chr10:71,785,670, C>T. VCF-style: chr10-71785670-C-T. GRCh37 (hg19) VCF-style: chr10-73545427-C-T.
Other names: c.5752C>T (NM_022124.5); short protein forms R1918W.
Identifiers: ClinVar variation 1404386 (VCV001404386.4), dbSNP rs777122902, ClinGen allele CA5545868.
Genomic context (GRCh38, chr10:71,785,670, plus strand): 5'-TCACCACCCTCCACATCCCAGACAGGGATCGTCACTGTGAACCGGCCCCTGGACCGCGAG[C>T]GGATCCCAGAGTACAAGCTGACCATTTCTGTGAAGGACAACCCGGAGAATCCACGCATAG-3'
Protein context (NP_071407.4, residues 1908-1928): VTVNRPLDRE[Arg1918Trp]IPEYKLTISV

ClinVar aggregate classification (germline): Uncertain significance. Review status: criteria provided, multiple submitters, no conflicts (2 of 4 stars). 2 submissions from 2 submitters: Uncertain significance (2). Last evaluated 2025-11-20.

Conditions:
Inborn genetic diseases. Identifiers: MedGen C0950123, MeSH D030342.

Allele frequency attached by ClinVar (database versions not stated): gnomAD 0.00001; gnomAD exomes 0.00005; TOPMed 0.00001; ExAC 0.00003.
gnomAD v4.1: 60 of 1,607,428 alleles (0.0037%); highest among the groups gnomAD compares: South Asian, 0.012%; no homozygotes.

Submissions (2):

Ambry Genetics
Classification: Uncertain significance for Inborn genetic diseases. Last evaluated: 2025-11-20. Review status: criteria provided, single submitter. Criteria: Ambry Variant Classification Scheme 2023. Collection method: clinical testing. Allele origin: germline.

Labcorp Genetics (formerly Invitae), Labcorp
Classification: Uncertain significance. Last evaluated: 2022-08-09. Review status: criteria provided, single submitter. Criteria: Invitae Variant Classification Sherloc (09022015). Collection method: clinical testing. Allele origin: germline.
Comment: This sequence change replaces arginine, which is basic and polar, with tryptophan, which is neutral and slightly polar, at codon 1918 of the CDH23 protein (p.Arg1918Trp). The frequency data for this variant in the population databases is considered unreliable, as metrics indicate poor data quality at this position in the gnomAD database. This variant has not been reported in the literature in individuals affected with CDH23-related conditions. ClinVar contains an entry for this variant (Variation ID: 1404386). Algorithms developed to predict the effect of missense changes on protein structure and function are either unavailable or do not agree on the potential impact of this missense change (SIFT: "Deleterious"; PolyPhen-2: "Not Available"; Align-GVGD: "Class C25"). In summary, the available evidence is currently insufficient to determine the role of this variant in disease. Therefore, it has been classified as a Variant of Uncertain Significance.